The following is an entry in ClinVar:

ClinVar aggregate classification (germline): Likely benign. Review status: criteria provided, multiple submitters, no conflicts (2 of 4 stars). 2 submissions from 2 submitters: Likely benign (2). Last evaluated 2026-01-13.

Conditions:
Charcot-Marie-Tooth disease type 4. Also called: Charcot-Marie-Tooth disease, type IV; Charcot-Marie-Tooth, Type 4. Identifiers: Orphanet 64749, MedGen C4082197, MONDO:0018995.

Allele frequency attached by ClinVar (database versions not stated): gnomAD 0.00001; TOPMed 0.00003; gnomAD exomes 0.00004; ExAC 0.00007.

Submissions (2):

Labcorp Genetics (formerly Invitae), Labcorp
Classification: Likely benign for Charcot-Marie-Tooth disease type 4. Last evaluated: 2026-01-13. Review status: criteria provided, single submitter. Criteria: Invitae Variant Classification Sherloc (09022015). Collection method: clinical testing. Allele origin: germline.

GeneDx
Classification: Likely benign. Last evaluated: 2016-12-22. Review status: criteria provided, single submitter. Criteria: GeneDx Variant Classification (06012015). Collection method: clinical testing. Allele origin: germline. Affected: yes.
Comment: This variant is considered likely benign or benign based on one or more of the following criteria: it is a conservative change, it occurs at a poorly conserved position in the protein, it is predicted to be benign by multiple in silico algorithms, and/or has population frequency not consistent with disease.

NM_006096.4(NDRG1):c.595-12C>T

Gene: NDRG1 (N-myc downstream regulated 1; minus strand). Cytogenetic location: 8q24.22.
Variant type: single nucleotide variant.
Coding change: c.595-12C>T on transcript NM_006096.4 (MANE Select); 12 bases into the intron before coding-DNA position 595, C replaced by T.
Molecular consequence: intron variant.
Genome position (GRCh38, 1-based): chr8:133,250,555, G>A on the plus strand (C>T on the coding strand, the complement: NDRG1 is on the minus strand). VCF-style: chr8-133250555-G-A. GRCh37 (hg19) VCF-style: chr8-134262798-G-A.
Other names: c.397-12C>T (NM_001258432.2, NM_001374847.1); c.352-12C>T (NM_001258433.2); c.646-12C>T (NM_001374844.1); c.595-12C>T (NM_001135242.2, NM_001374845.1, NM_001374846.1).
Identifiers: ClinVar variation 391997 (VCV000391997.8), dbSNP rs751730957, ClinGen allele CA4886663.